The following is an entry in ClinVar:

ClinVar aggregate classification (germline): Uncertain significance (1 of 4 stars; one submission).

Conditions:
PHF3-related disorder. Also called: PHF3-related condition.

gnomAD v4.1: 1 of 1,613,998 alleles (0.000062%); highest among the groups gnomAD compares: East Asian, 0.0022%; no homozygotes.

Submission:

PreventionGenetics, part of Exact Sciences
Classification: Uncertain significance for PHF3-related condition. Last evaluated: 2026-05-23. Review status: criteria provided, single submitter. Criteria: ACMG Guidelines, 2015. Collection method: clinical testing. Allele origin: germline.
Comment: The PHF3 c.4309C>G variant is predicted to result in the amino acid substitution p.Pro1437Ala. To our knowledge, this variant has not been reported in the literature or in a large population database (gnomAD), indicating this variant is rare. At this time, the clinical significance of this variant is uncertain due to the absence of conclusive functional and genetic evidence.

NM_001370348.2(PHF3):c.4309C>G (p.Pro1437Ala)

Gene: PHF3 (PHD finger protein 3; plus strand). Cytogenetic location: 6q12.
Variant type: single nucleotide variant.
Coding change: c.4309C>G on transcript NM_001370348.2 (MANE Select); coding-DNA position 4309, C replaced by G.
Protein change: p.Pro1437Ala; replaces proline 1437 with alanine.
Molecular consequence: missense variant.
Genome position (GRCh38, 1-based): chr6:63,711,897, C>G. VCF-style: chr6-63711897-C-G. GRCh37 (hg19) VCF-style: chr6-64421793-C-G.
Other names: c.4045C>G, p.Pro1349Ala (NM_001290259.2, NM_001370349.2); c.2116C>G, p.Pro706Ala (NM_001370350.2); c.4309C>G, p.Pro1437Ala (NM_015153.4); short protein forms P1349A, P1437A, P706A.
Identifiers: ClinVar variation 4990568 (VCV004990568.1).